The following is an entry in ClinVar:

NM_005228.5(EGFR):c.1207+5G>A

Genes: EGFR (epidermal growth factor receptor; plus strand), LOC126860048 (P300/CBP strongly-dependent group 1 enhancer GRCh37_chr7:55223847-55225046; plus strand). Cytogenetic location: 7p11.2.
Variant type: single nucleotide variant.
Coding change: c.1207+5G>A on transcript NM_005228.5 (MANE Select); 5 bases into the intron after coding-DNA position 1207, G replaced by A.
Molecular consequence: intron variant. On other transcripts: synonymous variant (1).
Genome position (GRCh38, 1-based): chr7:55,156,837, G>A. VCF-style: chr7-55156837-G-A. GRCh37 (hg19) VCF-style: chr7-55224530-G-A.
Other names: c.1212G>A, p.Leu404= (NM_201283.2); c.1072+5G>A (NM_001346899.2, NM_001346897.2); c.406+5G>A (NM_001346941.2); c.1207+5G>A (NM_001346898.2, NM_201284.2, NM_201282.2 and 1 more transcripts); c.1048+5G>A (NM_001346900.2).
Identifiers: ClinVar variation 1480622 (VCV001480622.7), dbSNP rs746340466, ClinGen allele CA4265504.

ClinVar aggregate classification (germline): Uncertain significance. Review status: criteria provided, multiple submitters, no conflicts (2 of 4 stars). 2 submissions from 2 submitters: Uncertain significance (2). Last evaluated 2025-12-22.

Conditions:
Hereditary cancer-predisposing syndrome. Also called: Neoplastic Syndromes, Hereditary; Tumor predisposition; Hereditary Cancer Syndrome; Hereditary neoplastic syndrome. Identifiers: Orphanet 140162, MedGen C0027672, MeSH D009386, MONDO:0015356.
EGFR-related lung cancer (EGFR). Identifiers: MedGen CN130014.

Allele frequency attached by ClinVar (database versions not stated): ExAC 0.00001; gnomAD exomes 0.00001.
gnomAD v4.1: 14 of 1,614,230 alleles (0.00087%); highest among the groups gnomAD compares: Non-Finnish European, 0.0012%; no homozygotes.

Submissions (2):

Ambry Genetics
Classification: Uncertain significance for Hereditary cancer-predisposing syndrome. Last evaluated: 2025-12-22. Review status: criteria provided, single submitter. Criteria: Ambry Variant Classification Scheme 2023. Collection method: clinical testing. Allele origin: germline.
Comment: The c.1207+5G>A intronic variant results from a G to A substitution 5 nucleotides after coding exon 10 in the EGFR gene. This nucleotide position is well conserved in available vertebrate species. In silico splice site analysis predicts that this alteration may weaken the native splice donor site. Based on the available evidence, the clinical significance of this variant remains unclear.

Labcorp Genetics (formerly Invitae), Labcorp
Classification: Uncertain significance for EGFR-related lung cancer. Last evaluated: 2025-04-03. Review status: criteria provided, single submitter. Criteria: Invitae Variant Classification Sherloc (09022015). Collection method: clinical testing. Allele origin: germline.
Comment: This sequence change falls in intron 10 of the EGFR gene. It does not directly change the encoded amino acid sequence of the EGFR protein. It affects a nucleotide within the consensus splice site. This variant is not present in population databases (gnomAD no frequency). This variant has not been reported in the literature in individuals affected with EGFR-related conditions. ClinVar contains an entry for this variant (Variation ID: 1480622). Variants that disrupt the consensus splice site are a relatively common cause of aberrant splicing (PMID: 17576681, 9536098). Algorithms developed to predict the effect of sequence changes on RNA splicing suggest that this variant may disrupt the consensus splice site. In summary, the available evidence is currently insufficient to determine the role of this variant in disease. Therefore, it has been classified as a Variant of Uncertain Significance.

Literature cited by the submitters: PubMed 17576681 (cited by Labcorp Genetics (formerly Invitae), Labcorp); PubMed 9536098 (cited by Labcorp Genetics (formerly Invitae), Labcorp).